The following is an entry in ClinVar:

ClinVar aggregate classification (germline): Uncertain significance (1 of 4 stars; one submission).

Conditions:
Thrombophilia due to protein S deficiency, autosomal recessive (THPH6). Identifiers: Orphanet 743, MedGen C3281092, MONDO:0013791, OMIM 614514. Disease mechanism: loss of function.

Allele frequency attached by ClinVar (database versions not stated): ExAC 0.00003; TOPMed 0.00003.
gnomAD v4.1: 58 of 1,612,808 alleles (0.0036%); highest among the groups gnomAD compares: Non-Finnish European, 0.0047%; no homozygotes.

Submission:

Labcorp Genetics (formerly Invitae), Labcorp
Classification: Uncertain significance for Thrombophilia due to protein S deficiency, autosomal recessive. Last evaluated: 2021-08-20. Review status: criteria provided, single submitter. Criteria: Invitae Variant Classification Sherloc (09022015). Collection method: clinical testing. Allele origin: germline.
Comment: This sequence change replaces phenylalanine with tyrosine at codon 327 of the PROS1 protein (p.Phe327Tyr). The phenylalanine residue is highly conserved and there is a small physicochemical difference between phenylalanine and tyrosine. This variant is present in population databases (rs746799331, ExAC 0.01%). This missense change has been observed in individual(s) with protein S deficiency (PMID: 18435454). Algorithms developed to predict the effect of missense changes on protein structure and function are either unavailable or do not agree on the potential impact of this missense change (SIFT: "Deleterious"; PolyPhen-2: "Probably Damaging"; Align-GVGD: "Class C15"). In summary, the available evidence is currently insufficient to determine the role of this variant in disease. Therefore, it has been classified as a Variant of Uncertain Significance.

Literature cited by the submitters: PubMed 18435454.

NM_000313.4(PROS1):c.980T>A (p.Phe327Tyr)

Gene: PROS1 (protein S; minus strand). Cytogenetic location: 3q11.1.
Variant type: single nucleotide variant.
Coding change: c.980T>A on transcript NM_000313.4 (MANE Select); coding-DNA position 980, T replaced by A.
Protein change: p.Phe327Tyr; replaces phenylalanine 327 with tyrosine.
Molecular consequence: missense variant.
Genome position (GRCh38, 1-based): chr3:93,893,108, A>T on the plus strand (T>A on the coding strand, the complement: PROS1 is on the minus strand). VCF-style: chr3-93893108-A-T. GRCh37 (hg19) VCF-style: chr3-93611952-A-T.
Other names: c.1076T>A, p.Phe359Tyr (NM_001314077.2); short protein forms F327Y, F359Y.
Identifiers: ClinVar variation 2202352 (VCV002202352.1), dbSNP rs746799331, ClinGen allele CA2503297.